The following is an entry in ClinVar:

ClinVar aggregate classification (germline): Uncertain significance (1 of 4 stars; one submission).

Conditions:
Ullrich congenital muscular dystrophy 2 (UCMD2). Identifiers: Orphanet 75840, MedGen C4225314, MONDO:0014654, OMIM 616470.
Bethlem myopathy 2 (BTHLM2). Identifiers: Orphanet 536516, Orphanet 610, MedGen C4225313, MONDO:0034022, OMIM 616471.

gnomAD v4.1: 5 of 1,613,922 alleles (0.00031%); highest among the groups gnomAD compares: Admixed American, 0.0017%; no homozygotes.

Submission:

Labcorp Genetics (formerly Invitae), Labcorp
Classification: Uncertain significance for Bethlem myopathy 2; Ullrich congenital muscular dystrophy 2. Last evaluated: 2025-06-10. Review status: criteria provided, single submitter. Criteria: Invitae Variant Classification Sherloc (09022015). Collection method: clinical testing. Allele origin: germline.
Comment: This sequence change replaces alanine, which is neutral and non-polar, with serine, which is neutral and polar, at codon 2018 of the COL12A1 protein (p.Ala2018Ser). This variant is present in population databases (rs771366071, gnomAD 0.0009%). This variant has not been reported in the literature in individuals affected with COL12A1-related conditions. Invitae Evidence Modeling of protein sequence and biophysical properties (such as structural, functional, and spatial information, amino acid conservation, physicochemical variation, residue mobility, and thermodynamic stability) indicates that this missense variant is not expected to disrupt COL12A1 protein function with a negative predictive value of 80%. In summary, the available evidence is currently insufficient to determine the role of this variant in disease. Therefore, it has been classified as a Variant of Uncertain Significance.

NM_004370.6(COL12A1):c.6052G>T (p.Ala2018Ser)

Gene: COL12A1 (collagen type XII alpha 1 chain; minus strand). Cytogenetic location: 6q13.
Variant type: single nucleotide variant.
Coding change: c.6052G>T on transcript NM_004370.6 (MANE Select); coding-DNA position 6052, G replaced by T.
Protein change: p.Ala2018Ser; replaces alanine 2018 with serine.
Molecular consequence: missense variant.
Genome position (GRCh38, 1-based): chr6:75,130,867, C>A on the plus strand (G>T on the coding strand, the complement: COL12A1 is on the minus strand). VCF-style: chr6-75130867-C-A. GRCh37 (hg19) VCF-style: chr6-75840583-C-A.
Other names: c.5779G>T, p.Ala1927Ser (NM_001424115.1); c.2560G>T, p.Ala854Ser (NM_001424116.1, NM_080645.3); c.6052G>T, p.Ala2018Ser (NM_001424113.1); c.6031G>T, p.Ala2011Ser (NM_001424114.1); short protein forms A1927S, A2018S, A854S, A2011S.
Identifiers: ClinVar variation 4792396 (VCV004792396.1).
Genomic context (GRCh38, chr6:75,130,867, plus strand): 5'-ATCTAGCTACAAGGGAATGGAATGGAGAAAGGATTTCTGCCTCACGCGTTCGGCCCTGGG[C>A]AGGGCTGGGATTTCCCTCTCCATCCGAGTACAGAGCCACAAGGTTCACGGAATAGAGTGT-3'
Protein context (NP_004361.3, residues 2008-2028): YSDGEGNPSP[Ala2018Ser]QGRTLPRSGP